The following is an entry in ClinVar:

ClinVar aggregate classification (germline): Uncertain significance (1 of 4 stars; one submission).

Conditions:
Dilated cardiomyopathy 1G (CMD1G). Identifiers: Orphanet 154, MedGen C1858763, MONDO:0011400, OMIM 604145.
Autosomal recessive limb-girdle muscular dystrophy type 2J (LGMDR10). Also called: Limb-girdle muscular dystrophy, type 2J; MUSCULAR DYSTROPHY, LIMB-GIRDLE, AUTOSOMAL RECESSIVE 10. Identifiers: Orphanet 140922, MedGen C1837342, MONDO:0012127, OMIM 608807.

Submission:

Labcorp Genetics (formerly Invitae), Labcorp
Classification: Uncertain significance for Dilated cardiomyopathy 1G; Autosomal recessive limb-girdle muscular dystrophy type 2J. Last evaluated: 2024-10-16. Review status: criteria provided, single submitter. Criteria: Invitae Variant Classification Sherloc (09022015). Collection method: clinical testing. Allele origin: germline.
Comment: This sequence change replaces glutamic acid, which is acidic and polar, with glycine, which is neutral and non-polar, at codon 35155 of the TTN protein (p.Glu35155Gly). This variant is not present in population databases (gnomAD no frequency). This variant has not been reported in the literature in individuals affected with TTN-related conditions. Experimental studies and prediction algorithms are not available or were not evaluated, and the functional significance of this variant is currently unknown. This variant is located in the M band of TTN (PMID: 25589632). Non-truncating variants in this region may be relevant for neuromuscular disorders, but have not been definitively shown to cause cardiomyopathy (PMID: 23975875). In summary, the available evidence is currently insufficient to determine the role of this variant in disease. Therefore, it has been classified as a Variant of Uncertain Significance.

Literature cited by the submitters: PubMed 25589632; PubMed 23975875.

NM_001267550.2(TTN):c.105464A>G (p.Glu35155Gly)

Genes: TTN-AS1 (TTN antisense RNA 1; plus strand), TTN (titin; minus strand). Cytogenetic location: 2q31.2.
Variant type: single nucleotide variant.
Coding change: c.105464A>G on transcript NM_001267550.2 (MANE Select); coding-DNA position 105464, A replaced by G.
Protein change: p.Glu35155Gly; replaces glutamic acid 35155 with glycine.
Molecular consequence: missense variant.
Genome position (GRCh38, 1-based): chr2:178,531,151, T>C on the plus strand (A>G on the coding strand, the complement: TTN is on the minus strand). VCF-style: chr2-178531151-T-C. GRCh37 (hg19) VCF-style: chr2-179395878-T-C.
Other names: c.100541A>G, p.Glu33514Gly (NM_001256850.1); c.78269A>G, p.Glu26090Gly (NM_003319.4); c.97760A>G, p.Glu32587Gly (NM_133378.4); c.78644A>G, p.Glu26215Gly (NM_133432.3); c.78845A>G, p.Glu26282Gly (NM_133437.4); short protein forms E26090G, E26215G, E26282G, E32587G, E33514G, E35155G.
Identifiers: ClinVar variation 3759481 (VCV003759481.2).